The following is an entry in ClinVar:

NM_018972.4(GDAP1):c.97C>T (p.His33Tyr)

Genes: GDAP1 (ganglioside induced differentiation associated protein 1; plus strand), LOC130000622 (ATAC-STARR-seq lymphoblastoid active region 27542; plus strand). Cytogenetic location: 8q21.11.
Variant type: single nucleotide variant.
Coding change: c.97C>T on transcript NM_018972.4 (MANE Select); coding-DNA position 97, C replaced by T.
Protein change: p.His33Tyr; replaces histidine 33 with tyrosine.
Molecular consequence: missense variant. On other transcripts: 5 prime UTR variant (2), intron variant (1).
Genome position (GRCh38, 1-based): chr8:74,350,558, C>T. VCF-style: chr8-74350558-C-T. GRCh37 (hg19) VCF-style: chr8-75262793-C-T.
Other names: c.-86C>T (NM_001362929.2); c.97C>T, p.His33Tyr (NM_001362930.2, NM_001362931.2); c.-38C>T (NM_001362932.2); c.-64+86C>T (NM_001040875.4); short protein forms H33Y.
Identifiers: ClinVar variation 1768249 (VCV001768249.5), dbSNP rs1204477096, ClinGen allele CA371499169.

ClinVar aggregate classification (germline): Uncertain significance. Review status: criteria provided, multiple submitters, no conflicts (2 of 4 stars). 2 submissions from 2 submitters: Uncertain significance (2). Last evaluated 2023-01-03.

Conditions:
Inborn genetic diseases. Identifiers: MedGen C0950123, MeSH D030342.
Charcot-Marie-Tooth disease type 4A. Also called: Charcot-Marie-Tooth disease, demyelinating, autosomal recessive, type 4a. Identifiers: Orphanet 99948, MedGen C1859198, MONDO:0008961, OMIM 214400.

Submissions (2):

Labcorp Genetics (formerly Invitae), Labcorp
Classification: Uncertain significance for Charcot-Marie-Tooth disease type 4A. Last evaluated: 2023-01-03. Review status: criteria provided, single submitter. Criteria: Invitae Variant Classification Sherloc (09022015). Collection method: clinical testing. Allele origin: germline.
Comment: In summary, the available evidence is currently insufficient to determine the role of this variant in disease. Therefore, it has been classified as a Variant of Uncertain Significance. Algorithms developed to predict the effect of missense changes on protein structure and function (SIFT, PolyPhen-2, Align-GVGD) all suggest that this variant is likely to be tolerated. ClinVar contains an entry for this variant (Variation ID: 1768249). This variant has not been reported in the literature in individuals affected with GDAP1-related conditions. The frequency data for this variant in the population databases is considered unreliable, as metrics indicate poor data quality at this position in the gnomAD database. This sequence change replaces histidine, which is basic and polar, with tyrosine, which is neutral and polar, at codon 33 of the GDAP1 protein (p.His33Tyr).

Ambry Genetics
Classification: Uncertain significance for Inborn genetic diseases. Last evaluated: 2021-07-11. Review status: criteria provided, single submitter. Criteria: Ambry Variant Classification Scheme 2023. Collection method: clinical testing. Allele origin: germline.
Comment: The p.H33Y variant (also known as c.97C>T), located in coding exon 1 of the GDAP1 gene, results from a C to T substitution at nucleotide position 97. The histidine at codon 33 is replaced by tyrosine, an amino acid with similar properties. This amino acid position is conserved. In addition, this alteration is predicted to be tolerated by in silico analysis. Since supporting evidence is limited at this time, the clinical significance of this alteration remains unclear.